The following is an entry in ClinVar:

NM_001844.5(COL2A1):c.2679+3G>T

Gene: COL2A1 (collagen type II alpha 1 chain; minus strand). Cytogenetic location: 12q13.11.
Variant type: single nucleotide variant.
Coding change: c.2679+3G>T on transcript NM_001844.5 (MANE Select); 3 bases into the intron after coding-DNA position 2679, G replaced by T.
Molecular consequence: intron variant.
Genome position (GRCh38, 1-based): chr12:47,980,006, C>A on the plus strand (G>T on the coding strand, the complement: COL2A1 is on the minus strand). VCF-style: chr12-47980006-C-A. GRCh37 (hg19) VCF-style: chr12-48373789-C-A.
Other names: c.2472+3G>T (NM_033150.3).
Identifiers: ClinVar variation 3649631 (VCV003649631.2).

ClinVar aggregate classification (germline): Uncertain significance (1 of 4 stars; one submission).

Submission:

Labcorp Genetics (formerly Invitae), Labcorp
Classification: Uncertain significance. Last evaluated: 2024-04-11. Review status: criteria provided, single submitter. Criteria: Invitae Variant Classification Sherloc (09022015). Collection method: clinical testing. Allele origin: germline.
Comment: This sequence change falls in intron 40 of the COL2A1 gene. It does not directly change the encoded amino acid sequence of the COL2A1 protein. It affects a nucleotide within the consensus splice site. This variant is not present in population databases (gnomAD no frequency). This variant has not been reported in the literature in individuals affected with COL2A1-related conditions. Variants that disrupt the consensus splice site are a relatively common cause of aberrant splicing (PMID: 17576681, 9536098). Algorithms developed to predict the effect of sequence changes on RNA splicing suggest that this variant may disrupt the consensus splice site. In summary, the available evidence is currently insufficient to determine the role of this variant in disease. Therefore, it has been classified as a Variant of Uncertain Significance.

Literature cited by the submitters: PubMed 17576681; PubMed 9536098.